The following is an entry in ClinVar:

ClinVar aggregate classification (germline): Uncertain significance. Review status: criteria provided, multiple submitters, no conflicts (2 of 4 stars). 2 submissions from 2 submitters: Uncertain significance (2). Last evaluated 2024-06-21.

Conditions:
Gastrointestinal stromal tumor. Also called: Gastrointestinal stromal tumor, somatic; Gastrointestinal stroma tumor. Identifiers: Orphanet 44890, MedGen C0238198, MeSH D046152, MONDO:0011719, OMIM 606764, HP:0100723.
Pheochromocytoma/paraganglioma syndrome 3. Also called: GLOMUS TUMORS, FAMILIAL, 3; Paragangliomas 3; SDHC-Related Hereditary Paraganglioma-Pheochromocytoma Syndrome (Paragangliomas 3); SDHC-Related Hereditary Paraganglioma-Pheochromocytoma Syndrome. Identifiers: Orphanet 29072, MedGen C1854336, MONDO:0011544, OMIM 605373.
Hereditary cancer-predisposing syndrome. Also called: Neoplastic Syndromes, Hereditary; Hereditary neoplastic syndrome; Tumor predisposition; Hereditary Cancer Syndrome. Identifiers: Orphanet 140162, MedGen C0027672, MeSH D009386, MONDO:0015356.

gnomAD v4.1: 1 of 1,613,406 alleles (0.000062%); highest among the groups gnomAD compares: South Asian, 0.0011%; no homozygotes.

Submissions (2):

Ambry Genetics
Classification: Uncertain significance for Hereditary cancer-predisposing syndrome. Last evaluated: 2024-06-21. Review status: criteria provided, single submitter. Criteria: Ambry Variant Classification Scheme 2023. Collection method: clinical testing. Allele origin: germline.
Comment: The p.A3P variant (also known as c.7G>C), located in coding exon 1 of the SDHC gene, results from a G to C substitution at nucleotide position 7. The alanine at codon 3 is replaced by proline, an amino acid with highly similar properties. This amino acid position is well conserved in available vertebrate species. In addition, this alteration is predicted to be deleterious by in silico analysis. Based on the available evidence, the clinical significance of this variant remains unclear.

Labcorp Genetics (formerly Invitae), Labcorp
Classification: Uncertain significance for Pheochromocytoma/paraganglioma syndrome 3; Gastrointestinal stromal tumor. Last evaluated: 2023-04-20. Review status: criteria provided, single submitter. Criteria: Invitae Variant Classification Sherloc (09022015). Collection method: clinical testing. Allele origin: germline.
Comment: This variant has not been reported in the literature in individuals affected with SDHC-related conditions. An algorithm developed to predict the effect of missense changes on protein structure and function (PolyPhen-2) suggests that this variant is likely to be disruptive. In summary, the available evidence is currently insufficient to determine the role of this variant in disease. Therefore, it has been classified as a Variant of Uncertain Significance. This variant is not present in population databases (gnomAD no frequency). This sequence change replaces alanine, which is neutral and non-polar, with proline, which is neutral and non-polar, at codon 3 of the SDHC protein (p.Ala3Pro).

NM_003001.5(SDHC):c.7G>C (p.Ala3Pro)

Gene: SDHC (succinate dehydrogenase complex subunit C; plus strand). Cytogenetic location: 1q23.3.
Variant type: single nucleotide variant.
Coding change: c.7G>C on transcript NM_003001.5 (MANE Select); coding-DNA position 7, G replaced by C.
Protein change: p.Ala3Pro; replaces alanine 3 with proline.
Molecular consequence: missense variant. On other transcripts: 5 prime UTR variant (2), non-coding transcript variant (1).
Genome position (GRCh38, 1-based): chr1:161,314,412, G>C. VCF-style: chr1-161314412-G-C. GRCh37 (hg19) VCF-style: chr1-161284202-G-C.
Other names: c.7G>C, p.Ala3Pro (NM_001278172.3, NM_001407115.1, NM_001407116.1 and 6 more transcripts); c.-554G>C (NM_001407119.1); c.-223G>C (NM_001407120.1); short protein forms A3P.
Identifiers: ClinVar variation 2946953 (VCV002946953.4), dbSNP rs748243732, ClinGen allele CA343354942.